The following is an entry in ClinVar:

ClinVar aggregate classification (germline): Uncertain significance. Review status: criteria provided, multiple submitters, no conflicts (2 of 4 stars). 2 submissions from 2 submitters: Uncertain significance (2). Last evaluated 2025-08-04.

Conditions:
Inborn genetic diseases. Identifiers: MedGen C0950123, MeSH D030342.

Allele frequency attached by ClinVar (database versions not stated): gnomAD exomes 0.00004; TOPMed 0.00004; ExAC 0.00006; gnomAD 0.00007.
gnomAD v4.1: 72 of 1,613,774 alleles (0.0045%); highest among the groups gnomAD compares: Non-Finnish European, 0.0058%; no homozygotes.

Submissions (2):

Labcorp Genetics (formerly Invitae), Labcorp
Classification: Uncertain significance. Last evaluated: 2025-08-04. Review status: criteria provided, single submitter. Criteria: Invitae Variant Classification Sherloc (09022015). Collection method: clinical testing. Allele origin: germline.
Comment: This sequence change replaces isoleucine, which is neutral and non-polar, with threonine, which is neutral and polar, at codon 872 of the TRPC6 protein (p.Ile872Thr). This variant is present in population databases (rs767968818, gnomAD 0.009%). This variant has not been reported in the literature in individuals affected with TRPC6-related conditions. ClinVar contains an entry for this variant (Variation ID: 2058613). Invitae Evidence Modeling of protein sequence and biophysical properties (such as structural, functional, and spatial information, amino acid conservation, physicochemical variation, residue mobility, and thermodynamic stability) indicates that this missense variant is not expected to disrupt TRPC6 protein function with a negative predictive value of 95%. In summary, the available evidence is currently insufficient to determine the role of this variant in disease. Therefore, it has been classified as a Variant of Uncertain Significance.

Ambry Genetics
Classification: Uncertain significance for Inborn genetic diseases. Last evaluated: 2023-05-30. Review status: criteria provided, single submitter. Criteria: Ambry Variant Classification Scheme 2023. Collection method: clinical testing. Allele origin: germline.

NM_004621.6(TRPC6):c.2615T>C (p.Ile872Thr)

Gene: TRPC6 (transient receptor potential cation channel subfamily C member 6; minus strand). Cytogenetic location: 11q22.1.
Variant type: single nucleotide variant.
Coding change: c.2615T>C on transcript NM_004621.6 (MANE Select); coding-DNA position 2615, T replaced by C.
Protein change: p.Ile872Thr; replaces isoleucine 872 with threonine.
Molecular consequence: missense variant.
Genome position (GRCh38, 1-based): chr11:101,453,679, A>G on the plus strand (T>C on the coding strand, the complement: TRPC6 is on the minus strand). VCF-style: chr11-101453679-A-G. GRCh37 (hg19) VCF-style: chr11-101324410-A-G.
Other names: c.2615T>C (NM_004621.5); short protein forms I872T.
Identifiers: ClinVar variation 2058613 (VCV002058613.6), dbSNP rs767968818, ClinGen allele CA6244060.